The following is an entry in ClinVar:

ClinVar aggregate classification (germline): Uncertain significance (1 of 4 stars; one submission).

Conditions:
Hereditary cancer-predisposing syndrome. Also called: Hereditary Cancer Syndrome; Tumor predisposition; Hereditary neoplastic syndrome; Neoplastic Syndromes, Hereditary. Identifiers: Orphanet 140162, MedGen C0027672, MeSH D009386, MONDO:0015356.

Submission:

Labcorp Genetics (formerly Invitae), Labcorp
Classification: Uncertain significance for Hereditary cancer-predisposing syndrome. Last evaluated: 2020-03-23. Review status: criteria provided, single submitter. Criteria: Invitae Variant Classification Sherloc (09022015). Collection method: clinical testing. Allele origin: germline.
Comment: This sequence change replaces valine with leucine at codon 1186 of the RAD50 protein (p.Val1186Leu). The valine residue is highly conserved and there is a small physicochemical difference between valine and leucine. This variant is not present in population databases (ExAC no frequency). This variant has not been reported in the literature in individuals with RAD50-related conditions. Algorithms developed to predict the effect of missense changes on protein structure and function are either unavailable or do not agree on the potential impact of this missense change (SIFT: "Deleterious"; PolyPhen-2: "Probably Damaging"; Align-GVGD: "Class C0"). In summary, the available evidence is currently insufficient to determine the role of this variant in disease. Therefore, it has been classified as a Variant of Uncertain Significance.

NM_005732.4(RAD50):c.3556G>T (p.Val1186Leu)

Genes: RAD50 (RAD50 double strand break repair protein; plus strand), TH2-LCR (Th2 cytokine locus control region; plus strand), TH2LCRR (T helper type 2 locus control region associated RNA; minus strand). Cytogenetic location: 5q31.1.
Variant type: single nucleotide variant.
Coding change: c.3556G>T on transcript NM_005732.4 (MANE Select); coding-DNA position 3556, G replaced by T.
Protein change: p.Val1186Leu; replaces valine 1186 with leucine.
Molecular consequence: missense variant. On other transcripts: non-coding transcript variant (3).
Genome position (GRCh38, 1-based): chr5:132,638,161, G>T. VCF-style: chr5-132638161-G-T. GRCh37 (hg19) VCF-style: chr5-131973853-G-T.
Other names: short protein forms V1186L.
Identifiers: ClinVar variation 1044677 (VCV001044677.9), dbSNP rs1751632399, ClinGen allele CA360932021.